The following is an entry in ClinVar:

NM_001015877.2(PHF6):c.157G>T (p.Val53Leu)

Gene: PHF6 (PHD finger protein 6; plus strand). Cytogenetic location: Xq26.2.
Variant type: single nucleotide variant.
Coding change: c.157G>T on transcript NM_001015877.2 (MANE Select); coding-DNA position 157, G replaced by T.
Protein change: p.Val53Leu; replaces valine 53 with leucine.
Molecular consequence: missense variant.
Genome position (GRCh38, 1-based): chrX:134,378,023, G>T. VCF-style: chrX-134378023-G-T. GRCh37 (hg19) VCF-style: chrX-133512053-G-T.
Other names: c.157G>T, p.Val53Leu (NM_032335.3, NM_032458.3); short protein forms V53L.
Identifiers: ClinVar variation 1718458 (VCV001718458.5), dbSNP rs2520470391, ClinGen allele CA414710954.

ClinVar aggregate classification (germline): Uncertain significance (1 of 4 stars; one submission).

Conditions:
Borjeson-Forssman-Lehmann syndrome (BFLS). Also called: BORJESON SYNDROME; MENTAL RETARDATION, X-LINKED, SYNDROMIC, BORJESON-FORSSMAN-LEHMANN TYPE; MENTAL RETARDATION, EPILEPSY, AND ENDOCRINE DISORDERS. Identifiers: Orphanet 127, MedGen C0265339, MONDO:0010537, OMIM 301900.

Submission:

Labcorp Genetics (formerly Invitae), Labcorp
Classification: Uncertain significance for Borjeson-Forssman-Lehmann syndrome. Last evaluated: 2022-08-31. Review status: criteria provided, single submitter. Criteria: Invitae Variant Classification Sherloc (09022015). Collection method: clinical testing. Allele origin: germline.
Comment: In summary, the available evidence is currently insufficient to determine the role of this variant in disease. Therefore, it has been classified as a Variant of Uncertain Significance. Algorithms developed to predict the effect of missense changes on protein structure and function (SIFT, PolyPhen-2, Align-GVGD) all suggest that this variant is likely to be disruptive. This variant has not been reported in the literature in individuals affected with PHF6-related conditions. This variant is not present in population databases (gnomAD no frequency). This sequence change replaces valine, which is neutral and non-polar, with leucine, which is neutral and non-polar, at codon 53 of the PHF6 protein (p.Val53Leu).